The following is an entry in ClinVar:

NM_006180.6(NTRK2):c.287+3G>C

Gene: NTRK2 (neurotrophic receptor tyrosine kinase 2; plus strand). Cytogenetic location: 9q21.33.
Variant type: single nucleotide variant.
Coding change: c.287+3G>C on transcript NM_006180.6 (MANE Select); 3 bases into the intron after coding-DNA position 287, G replaced by C.
Molecular consequence: intron variant.
Genome position (GRCh38, 1-based): chr9:84,702,236, G>C. VCF-style: chr9-84702236-G-C. GRCh37 (hg19) VCF-style: chr9-87317151-G-C.
Other names: c.287+3G>C (NM_001018064.3, NM_001369548.1, NM_001369538.1 and 18 more transcripts); c.-182+3G>C (NM_001369536.1, NM_001369535.1, NM_001369550.1 and 1 more transcripts).
Identifiers: ClinVar variation 1344554 (VCV001344554.2), dbSNP rs1449585956, ClinGen allele CA2573053192.
Genomic context (GRCh38, chr9:84,702,236, plus strand): 5'-AAAGGTTAGAAATCATCAACGAAGATGATGTTGAAGCTTATGTGGGACTGAGAAATCTGT[G>C]AGTACTCAGGACCAGGGCACATTATCTCAGAGAATTTTCCTGTTGTCTGCTCTGGTCAGG-3'

Submission:

Human Development and Health, University of Southampton
No classification provided (evidence only). Review status: no classification provided. Collection method: in vitro. Allele origin: not applicable. Functional consequence: sequence_variant_affecting_splicing.
ClinVar note: "not provided" was previously submitted as the classification for the variant. However, the classification appeared to be based only on an observation of functional data so it was converted to no classification on 2025-07-30.